The following is an entry in ClinVar:

NM_001267550.2(TTN):c.63793G>C (p.Asp21265His)

Genes: TTN (titin; minus strand), TTN-AS1 (TTN antisense RNA 1; plus strand). Cytogenetic location: 2q31.2.
Variant type: single nucleotide variant.
Coding change: c.63793G>C on transcript NM_001267550.2 (MANE Select); coding-DNA position 63793, G replaced by C.
Protein change: p.Asp21265His; replaces aspartic acid 21265 with histidine.
Molecular consequence: missense variant.
Genome position (GRCh38, 1-based): chr2:178,587,516, C>G on the plus strand (G>C on the coding strand, the complement: TTN is on the minus strand). VCF-style: chr2-178587516-C-G. GRCh37 (hg19) VCF-style: chr2-179452243-C-G.
Other names: c.58870G>C, p.Asp19624His (NM_001256850.1); c.36598G>C, p.Asp12200His (NM_003319.4); c.56089G>C, p.Asp18697His (NM_133378.4); c.36973G>C, p.Asp12325His (NM_133432.3); c.37174G>C, p.Asp12392His (NM_133437.4); short protein forms D12200H, D12325H, D19624H, D12392H, D21265H, D18697H.
Identifiers: ClinVar variation 4784959 (VCV004784959.1).

ClinVar aggregate classification (germline): Uncertain significance (1 of 4 stars; one submission).

Conditions:
Autosomal recessive limb-girdle muscular dystrophy type 2J (LGMDR10). Also called: Limb-girdle muscular dystrophy, type 2J; MUSCULAR DYSTROPHY, LIMB-GIRDLE, AUTOSOMAL RECESSIVE 10. Identifiers: Orphanet 140922, MedGen C1837342, MONDO:0012127, OMIM 608807.
Dilated cardiomyopathy 1G (CMD1G). Identifiers: Orphanet 154, MedGen C1858763, MONDO:0011400, OMIM 604145.

Submission:

Labcorp Genetics (formerly Invitae), Labcorp
Classification: Uncertain significance for Dilated cardiomyopathy 1G; Autosomal recessive limb-girdle muscular dystrophy type 2J. Last evaluated: 2025-05-11. Review status: criteria provided, single submitter. Criteria: Invitae Variant Classification Sherloc (09022015). Collection method: clinical testing. Allele origin: germline.
Comment: This sequence change replaces aspartic acid, which is acidic and polar, with histidine, which is basic and polar, at codon 21265 of the TTN protein (p.Asp21265His). This variant also falls at the last nucleotide of exon 306, which is part of the consensus splice site for this exon. This variant is not present in population databases (gnomAD no frequency). This variant has not been reported in the literature in individuals affected with TTN-related conditions. Experimental studies and prediction algorithms are not available or were not evaluated, and the functional significance of this variant is currently unknown. Variants that disrupt the consensus splice site are a relatively common cause of aberrant splicing (PMID: 17576681, 9536098). Algorithms developed to predict the effect of sequence changes on RNA splicing suggest that this variant may disrupt the consensus splice site. This variant is located in the A band of TTN (PMID: 25589632). Variants in this region may be relevant for cardiac or neuromuscular disorders (PMID: 25589632, 23975875). In summary, the available evidence is currently insufficient to determine the role of this variant in disease. Therefore, it has been classified as a Variant of Uncertain Significance.

Literature cited by the submitters: PubMed 17576681; PubMed 9536098; PubMed 25589632; PubMed 23975875.